The following is an entry in ClinVar:

NM_001042492.3(NF1):c.8498dup (p.Asn2833fs)

Gene: NF1 (neurofibromin 1; plus strand). Cytogenetic location: 17q11.2.
Variant type: Duplication.
Coding change: c.8498dup on transcript NM_001042492.3 (MANE Select); coding-DNA position 8498, one base duplicated (A; older notation c.8498dupA).
Protein change: p.Asn2833fs; shifts the reading frame from asparagine 2833.
Molecular consequence: frameshift variant.
Genome position (GRCh38, 1-based): chr17:31,374,133, A duplicated; the last of 2 consecutive A bases (chr17:31,374,132-31,374,133); duplicating either gives the same sequence. VCF-style (leftmost placement, unchanged base first): chr17-31374131-T-TA. GRCh37 (hg19) VCF-style: chr17-29701149-T-TA.
Other names: c.8435dupA (NM_000267.3); c.8498dupA (NM_001042492.2); c.8435dup, p.Asn2812Lysfs (NM_000267.4); short protein forms N2833fs, N2812fs.
Identifiers: ClinVar variation 2985899 (VCV002985899.5), dbSNP rs2508878028, ClinGen allele CA2740095322.

ClinVar aggregate classification (germline): Uncertain significance. Review status: criteria provided, multiple submitters, no conflicts (2 of 4 stars). 3 submissions from 3 submitters: Uncertain significance (3). Last evaluated 2026-01-12.

Conditions:
NF1-related disorder. Also called: NF1-related condition. Identifiers: MedGen CN379171.
Neurofibromatosis, type 1 (NF1). Also called: NEUROFIBROMATOSIS, TYPE I, SOMATIC; Peripheral type neurofibromatosis; Neurofibromatosis, type I; VON RECKLINGHAUSEN DISEASE. Identifiers: Orphanet 636, MedGen C0027831, MONDO:0018975, OMIM 162200. Disease mechanism: loss of function.
Hereditary cancer-predisposing syndrome. Also called: Tumor predisposition; Hereditary Cancer Syndrome; Neoplastic Syndromes, Hereditary; Hereditary neoplastic syndrome. Identifiers: Orphanet 140162, MedGen C0027672, MeSH D009386, MONDO:0015356.
Cardiovascular phenotype. Identifiers: MedGen CN230736.

Submissions (3):

Labcorp Genetics (formerly Invitae), Labcorp
Classification: Uncertain significance for Neurofibromatosis, type 1. Last evaluated: 2026-01-12. Review status: criteria provided, single submitter. Criteria: Invitae Variant Classification Sherloc (09022015). Collection method: clinical testing. Allele origin: germline.
Comment: This sequence change creates a premature translational stop signal (p.Asn2812Lysfs*2) in the NF1 gene. While this is not anticipated to result in nonsense mediated decay, it is expected to disrupt the last 7 amino acid(s) of the NF1 protein. This variant is not present in population databases (gnomAD no frequency). This variant has not been reported in the literature in individuals affected with NF1-related conditions. ClinVar contains an entry for this variant (Variation ID: 2985899). Algorithms developed to predict the effect of sequence changes on RNA splicing suggest that this variant may create or strengthen a splice site. In summary, the available evidence is currently insufficient to determine the role of this variant in disease. Therefore, it has been classified as a Variant of Uncertain Significance.

Ambry Genetics
Classification: Uncertain significance for Cardiovascular phenotype; Hereditary cancer-predisposing syndrome. Last evaluated: 2024-12-03. Review status: criteria provided, single submitter. Criteria: Ambry Variant Classification Scheme 2023. Collection method: clinical testing. Allele origin: germline.
Comment: The c.8435dupA variant, located in coding exon 57 of the NF1 gene, results from a duplication of A at nucleotide position 8435, causing a translational frameshift with a predicted alternate stop codon (p.N2812Kfs*2). This alteration occurs at the 3' terminus of theNF1 gene, is not expected to trigger nonsense-mediated mRNAdecay, and only impacts the last 7AA of the protein. The exact functional effect of this alteration is unknown. Based on the available evidence, the clinical significance of this variant remains unclear.

PreventionGenetics, part of Exact Sciences
Classification: Uncertain significance for NF1-related condition. Last evaluated: 2024-10-31. Review status: criteria provided, single submitter. Criteria: ACMG Guidelines, 2015. Collection method: clinical testing. Allele origin: germline.
Comment: The NF1 c.8498dupA variant is predicted to result in a frameshift and premature protein termination (p.Asn2833Lysfs*2). To our knowledge, this variant has not been reported in the literature or in a large population database (gnomAD), indicating this variant is rare. This frameshift variant is located near the end of the terminal exon, and downstream of all other causative changes reported in the literature. At this time, the clinical significance of this variant is uncertain due to the absence of conclusive functional and genetic evidence.